The following is an entry in ClinVar:

ClinVar aggregate classification (germline): Uncertain significance (1 of 4 stars; one submission).

Conditions:
Hereditary cancer-predisposing syndrome. Also called: Neoplastic Syndromes, Hereditary; Tumor predisposition; Hereditary Cancer Syndrome; Hereditary neoplastic syndrome. Identifiers: Orphanet 140162, MedGen C0027672, MeSH D009386, MONDO:0015356.

Submission:

Ambry Genetics
Classification: Uncertain significance for Hereditary cancer-predisposing syndrome. Last evaluated: 2025-12-07. Review status: criteria provided, single submitter. Criteria: Ambry Variant Classification Scheme 2023. Collection method: clinical testing. Allele origin: germline.
Comment: The p.V1312L variant (also known as c.3934G>C), located in coding exon 19 of the MET gene, results from a G to C substitution at nucleotide position 3934. The valine at codon 1312 is replaced by leucine, an amino acid with highly similar properties. This amino acid position is conserved. In addition, this alteration is predicted to be tolerated by in silico analysis. Based on the available evidence, the clinical significance of this variant remains unclear.

NM_000245.4(MET):c.3880G>C (p.Val1294Leu)

Gene: MET (MET proto-oncogene, receptor tyrosine kinase; plus strand). Cytogenetic location: 7q31.2.
Variant type: single nucleotide variant.
Coding change: c.3880G>C on transcript NM_000245.4 (MANE Select); coding-DNA position 3880, G replaced by C.
Protein change: p.Val1294Leu; replaces valine 1294 with leucine.
Molecular consequence: missense variant.
Genome position (GRCh38, 1-based): chr7:116,795,736, G>C. VCF-style: chr7-116795736-G-C. GRCh37 (hg19) VCF-style: chr7-116435790-G-C.
Other names: c.3934G>C, p.Val1312Leu (NM_001127500.3); c.2590G>C, p.Val864Leu (NM_001324402.2); short protein forms V1294L, V1312L, V864L.
Identifiers: ClinVar variation 4648307 (VCV004648307.1).